The following is an entry in ClinVar:

NM_000135.4(FANCA):c.1865G>A (p.Cys622Tyr)

Gene: FANCA (FA complementation group A; minus strand). Cytogenetic location: 16q24.3.
Variant type: single nucleotide variant.
Coding change: c.1865G>A on transcript NM_000135.4 (MANE Select); coding-DNA position 1865, G replaced by A.
Protein change: p.Cys622Tyr; replaces cysteine 622 with tyrosine.
Molecular consequence: missense variant.
Genome position (GRCh38, 1-based): chr16:89,775,777, C>T on the plus strand (G>A on the coding strand, the complement: FANCA is on the minus strand). VCF-style: chr16-89775777-C-T. GRCh37 (hg19) VCF-style: chr16-89842185-C-T.
Other names: c.1865G>A, p.Cys622Tyr (NM_001286167.3); short protein forms C622Y.
Identifiers: ClinVar variation 3848034 (VCV003848034.1).

ClinVar aggregate classification (germline): Uncertain significance (1 of 4 stars; one submission).

Conditions:
Inborn genetic diseases. Identifiers: MedGen C0950123, MeSH D030342.

gnomAD v4.1: 1 of 1,612,802 alleles (0.000062%); highest among the groups gnomAD compares: Non-Finnish European, 0.000085%; no homozygotes.

Submission:

Ambry Genetics
Classification: Uncertain significance for Inborn genetic diseases. Last evaluated: 2024-12-19. Review status: criteria provided, single submitter. Criteria: Ambry Variant Classification Scheme 2023. Collection method: clinical testing. Allele origin: germline.
Comment: The p.C622Y variant (also known as c.1865G>A), located in coding exon 21 of the FANCA gene, results from a G to A substitution at nucleotide position 1865. The cysteine at codon 622 is replaced by tyrosine, an amino acid with highly dissimilar properties. This amino acid position is conserved. In addition, this alteration is predicted to be tolerated by in silico analysis. Based on the available evidence, the clinical significance of this variant remains unclear.